The following is an entry in ClinVar:

ClinVar aggregate classification (germline): Uncertain significance. Review status: criteria provided, multiple submitters, no conflicts (2 of 4 stars). 2 submissions from 2 submitters: Uncertain significance (2). Last evaluated 2025-04-15.

Conditions:
Colorectal cancer, hereditary nonpolyposis, type 7. Identifiers: Orphanet 144, MedGen C1858380, MONDO:0013725, OMIM 614385.

Allele frequency attached by ClinVar (database versions not stated): gnomAD 0.00001; ExAC 0.00002; gnomAD exomes 0.00004.
gnomAD v4.1: 36 of 1,614,076 alleles (0.0022%); highest among the groups gnomAD compares: South Asian, 0.037%; 1 homozygote.

Submissions (2):

Ambry Genetics
Classification: Uncertain significance. Last evaluated: 2025-04-15. Review status: criteria provided, single submitter. Criteria: Ambry Variant Classification Scheme 2023. Collection method: clinical testing. Allele origin: germline.

Labcorp Genetics (formerly Invitae), Labcorp
Classification: Uncertain significance for Colorectal cancer, hereditary nonpolyposis, type 7. Last evaluated: 2024-09-15. Review status: criteria provided, single submitter. Criteria: Invitae Variant Classification Sherloc (09022015). Collection method: clinical testing. Allele origin: germline.
Comment: This sequence change replaces glycine, which is neutral and non-polar, with glutamic acid, which is acidic and polar, at codon 1018 of the MLH3 protein (p.Gly1018Glu). This variant is present in population databases (rs147325766, gnomAD 0.03%). This variant has not been reported in the literature in individuals affected with MLH3-related conditions. ClinVar contains an entry for this variant (Variation ID: 1516955). An algorithm developed to predict the effect of missense changes on protein structure and function outputs the following: PolyPhen-2: "Benign". The glutamic acid amino acid residue is found in multiple mammalian species, which suggests that this missense change does not adversely affect protein function. In summary, the available evidence is currently insufficient to determine the role of this variant in disease. Therefore, it has been classified as a Variant of Uncertain Significance.

NM_001040108.2(MLH3):c.3053G>A (p.Gly1018Glu)

Gene: MLH3 (mutL homolog 3; minus strand). Cytogenetic location: 14q24.3.
Variant type: single nucleotide variant.
Coding change: c.3053G>A on transcript NM_001040108.2 (MANE Select); coding-DNA position 3053, G replaced by A.
Protein change: p.Gly1018Glu; replaces glycine 1018 with glutamic acid.
Molecular consequence: missense variant.
Genome position (GRCh38, 1-based): chr14:75,046,603, C>T on the plus strand (G>A on the coding strand, the complement: MLH3 is on the minus strand). VCF-style: chr14-75046603-C-T. GRCh37 (hg19) VCF-style: chr14-75513306-C-T.
Other names: c.3053G>A, p.Gly1018Glu (NM_014381.3); short protein forms G1018E.
Identifiers: ClinVar variation 1516955 (VCV001516955.12), dbSNP rs147325766, ClinGen allele CA7275597.